The following is an entry in ClinVar:

NM_000540.3(RYR1):c.5099C>T (p.Ala1700Val)

Gene: RYR1 (ryanodine receptor 1; plus strand). Cytogenetic location: 19q13.2.
Variant type: single nucleotide variant.
Coding change: c.5099C>T on transcript NM_000540.3 (MANE Select); coding-DNA position 5099, C replaced by T.
Protein change: p.Ala1700Val; replaces alanine 1700 with valine.
Molecular consequence: missense variant.
Genome position (GRCh38, 1-based): chr19:38,485,754, C>T. VCF-style: chr19-38485754-C-T. GRCh37 (hg19) VCF-style: chr19-38976394-C-T.
Other names: c.5099C>T, p.Ala1700Val (NM_001042723.2); short protein forms A1700V.
Identifiers: ClinVar variation 544389 (VCV000544389.8), dbSNP rs757262970, ClinGen allele CA405653767.
Genomic context (GRCh38, chr19:38,485,754, plus strand): 5'-TGGCGCACGCTCTGTGCAGCCACGTAGACCAAGCTCAGCTGCTGCACGCCCTGGAGGACG[C>T]GCACCTGCCAGGCCCACTGCGCGCAGGCTACTATGACCTCCTCATCAGCATCCACCTCGA-3'
Protein context (NP_000531.2, residues 1690-1710): QAQLLHALED[Ala1700Val]HLPGPLRAGY

ClinVar aggregate classification (germline): Uncertain significance (1 of 4 stars; one submission).

Conditions:
RYR1-related disorder. Also called: RYR1-related condition; RYR1-related disorders. Identifiers: MedGen CN239331.

Allele frequency attached by ClinVar (database versions not stated): gnomAD exomes below 0.00001; gnomAD 0.00001.
gnomAD v4.1: 2 of 1,612,782 alleles (0.00012%); highest among the groups gnomAD compares: East Asian, 0.0022%; no homozygotes.

Submission:

Labcorp Genetics (formerly Invitae), Labcorp
Classification: Uncertain significance for RYR1-related disorder. Last evaluated: 2024-11-21. Review status: criteria provided, single submitter. Criteria: Invitae Variant Classification Sherloc (09022015). Collection method: clinical testing. Allele origin: germline.
Comment: This sequence change replaces alanine, which is neutral and non-polar, with valine, which is neutral and non-polar, at codon 1700 of the RYR1 protein (p.Ala1700Val). The frequency data for this variant in the population databases is considered unreliable, as metrics indicate poor data quality at this position in the gnomAD database. This variant has not been reported in the literature in individuals affected with RYR1-related conditions. ClinVar contains an entry for this variant (Variation ID: 544389). Invitae Evidence Modeling of protein sequence and biophysical properties (such as structural, functional, and spatial information, amino acid conservation, physicochemical variation, residue mobility, and thermodynamic stability) indicates that this missense variant is not expected to disrupt RYR1 protein function with a negative predictive value of 80%. In summary, the available evidence is currently insufficient to determine the role of this variant in disease. Therefore, it has been classified as a Variant of Uncertain Significance.